The following is an entry in ClinVar:

ClinVar aggregate classification (germline): Uncertain significance. Review status: criteria provided, multiple submitters, no conflicts (2 of 4 stars). 2 submissions from 2 submitters: Uncertain significance (2). Last evaluated 2025-06-18.

Conditions:
Cardiovascular phenotype. Identifiers: MedGen CN230736.
CACNA1C-related disorder. Also called: CACNA1C-related disorders; CACNA1C-related condition. Identifiers: MedGen CN381092, MONDO:0700321.

Submissions (2):

Ambry Genetics
Classification: Uncertain significance for Cardiovascular phenotype. Last evaluated: 2025-06-18. Review status: criteria provided, single submitter. Criteria: Ambry Variant Classification Scheme 2023. Collection method: clinical testing. Allele origin: germline.
Comment: The c.422T>C (p.L141S) alteration is located in exon 3 (coding exon 3) of the CACNA1C gene. This alteration results from a T to C substitution at nucleotide position 422, causing the leucine (L) at amino acid position 141 to be replaced by a serine (S). This variant was not reported in population-based cohorts in the Genome Aggregation Database (gnomAD). This amino acid position is highly conserved in available vertebrate species. This missense alteration is located in a region that has a low rate of benign missense variation (Lek, 2016; Firth, 2009). This alteration is predicted to be deleterious by in silico analysis. Based on insufficient or conflicting evidence, the clinical significance of this alteration remains unclear.

PreventionGenetics, part of Exact Sciences
Classification: Uncertain significance for CACNA1C-related condition. Last evaluated: 2024-11-27. Review status: criteria provided, single submitter. Criteria: ACMG Guidelines, 2015. Collection method: clinical testing. Allele origin: germline.
Comment: The CACNA1C c.422T>C variant is predicted to result in the amino acid substitution p.Leu141Ser. To our knowledge, this variant has not been reported in the literature or in a large population database (gnomAD), indicating this variant is rare. At this time, the clinical significance of this variant is uncertain due to the absence of conclusive functional and genetic evidence.

NM_000719.7(CACNA1C):c.422T>C (p.Leu141Ser)

Gene: CACNA1C (calcium voltage-gated channel subunit alpha1 C; plus strand). Cytogenetic location: 12p13.33.
Variant type: single nucleotide variant.
Coding change: c.422T>C on transcript NM_000719.7 (MANE Select); coding-DNA position 422, T replaced by C.
Protein change: p.Leu141Ser; replaces leucine 141 with serine.
Molecular consequence: missense variant.
Genome position (GRCh38, 1-based): chr12:2,120,375, T>C. VCF-style: chr12-2120375-T-C. GRCh37 (hg19) VCF-style: chr12-2229541-T-C.
Other names: c.422T>C, p.Leu141Ser (NM_001129827.2, NM_001129838.2, NM_001129839.2 and 19 more transcripts); short protein forms L141S.
Identifiers: ClinVar variation 3262728 (VCV003262728.3).